The following is an entry in ClinVar:

NM_020117.11(LARS1):c.2148+298A>G

Gene: LARS1 (leucyl-tRNA synthetase 1; minus strand). Cytogenetic location: 5q32.
Variant type: single nucleotide variant.
Coding change: c.2148+298A>G on transcript NM_020117.11 (MANE Select); 298 bases into the intron after coding-DNA position 2148, A replaced by G.
Molecular consequence: intron variant.
Genome position (GRCh38, 1-based): chr5:146,139,906, T>C on the plus strand (A>G on the coding strand, the complement: LARS1 is on the minus strand). VCF-style: chr5-146139906-T-C. GRCh37 (hg19) VCF-style: chr5-145519469-T-C.
Other names: c.1986+298A>G (NM_001317965.2); c.2067+298A>G (NM_016460.4); c.2010+298A>G (NM_001317964.2).
Identifiers: ClinVar variation 673311 (VCV000673311.1), dbSNP rs148699941, ClinGen allele CA128841856.

ClinVar aggregate classification (germline): Likely benign (1 of 4 stars; one submission).

Allele frequency attached by ClinVar (database versions not stated): 1000 Genomes Project 0.00339; 1000 Genomes Project 30x 0.00375; gnomAD 0.00940 and 0.00980; TOPMed 0.01020.
gnomAD v4.1: 1,429 of 150,950 alleles (0.95%); highest among the groups gnomAD compares: Non-Finnish European, 1.3%; 11 homozygotes.

Submission:

GeneDx
Classification: Likely benign. Last evaluated: 2018-06-14. Review status: criteria provided, single submitter. Criteria: GeneDx Variant Classification (06012015). Collection method: clinical testing. Allele origin: germline. Affected: yes.
Comment: This variant is considered likely benign or benign based on one or more of the following criteria: it is a conservative change, it occurs at a poorly conserved position in the protein, it is predicted to be benign by multiple in silico algorithms, and/or has population frequency not consistent with disease.